The following is an entry in ClinVar:

NM_005257.6(GATA6):c.1139T>C (p.Leu380Pro)

Gene: GATA6 (GATA binding protein 6; plus strand). Cytogenetic location: 18q11.2.
Variant type: single nucleotide variant.
Coding change: c.1139T>C on transcript NM_005257.6 (MANE Select); coding-DNA position 1139, T replaced by C.
Protein change: p.Leu380Pro; replaces leucine 380 with proline.
Molecular consequence: missense variant.
Genome position (GRCh38, 1-based): chr18:22,176,958, T>C. VCF-style: chr18-22176958-T-C. GRCh37 (hg19) VCF-style: chr18-19756919-T-C.
Other names: c.1139T>C (NM_005257.4); short protein forms L380P.
Identifiers: ClinVar variation 1431200 (VCV001431200.10), dbSNP rs1446505680, ClinGen allele CA401801899.

ClinVar aggregate classification (germline): Uncertain significance. Review status: criteria provided, multiple submitters, no conflicts (2 of 4 stars). 3 submissions from 3 submitters: Uncertain significance (3). Last evaluated 2026-04-22.

Conditions:
Atrioventricular septal defect 5 (AVSD5). Identifiers: MedGen C3280939, MONDO:0013769, OMIM 614474.
Primary dilated cardiomyopathy (DCM). Also called: Dilated Cardiomyopathy. Identifiers: Orphanet 217604, MedGen C0007193, MeSH D002311, MONDO:0005021, HP:0001644. Inheritance: Various modes of inheritance.

Allele frequency attached by ClinVar (database versions not stated): TOPMed below 0.00001; gnomAD exomes 0.00001 and below 0.00001.

Submissions (3):

GeneDx
Classification: Uncertain significance. Last evaluated: 2026-04-22. Review status: criteria provided, single submitter. Criteria: GeneDx Variant Classification Process June 2021. Collection method: clinical testing. Allele origin: germline.
Comment: Not observed at significant frequency in large population cohorts (gnomAD); In silico analysis supports that this missense variant has a deleterious effect on protein structure/function; Has not been previously published as pathogenic or benign to our knowledge

Clinical Genomics Laboratory, Washington University in St. Louis
Classification: Uncertain significance for dilated cardiomyopathy. Last evaluated: 2025-04-10. Review status: criteria provided, single submitter. Criteria: ACMG Guidelines, 2015. Collection method: clinical testing. Allele origin: germline.
Comment: The GATA6 c.1139T>C (p.Leu380Pro) variant, to our knowledge, has not been reported in the medical literature. This variant is only observed on 1/155,694 alleles in the general population (gnomAD v2.1.1), indicating it is not a common variant. Computational predictors indicate that the variant is damaging, evidence that correlates with impact to GATA6 function. This variant has been reported in the ClinVar database as a germline variant of uncertain significance by one submitter (Variation ID: 1431200). Due to limited information, the clinical significance of this variant is uncertain.

Labcorp Genetics (formerly Invitae), Labcorp
Classification: Uncertain significance for Atrioventricular septal defect 5. Last evaluated: 2022-12-29. Review status: criteria provided, single submitter. Criteria: Invitae Variant Classification Sherloc (09022015). Collection method: clinical testing. Allele origin: germline.
Comment: This sequence change replaces leucine, which is neutral and non-polar, with proline, which is neutral and non-polar, at codon 380 of the GATA6 protein (p.Leu380Pro). The frequency data for this variant in the population databases is considered unreliable, as metrics indicate poor data quality at this position in the gnomAD database. In summary, the available evidence is currently insufficient to determine the role of this variant in disease. Therefore, it has been classified as a Variant of Uncertain Significance. Advanced modeling of protein sequence and biophysical properties (such as structural, functional, and spatial information, amino acid conservation, physicochemical variation, residue mobility, and thermodynamic stability) performed at Invitae indicates that this missense variant is not expected to disrupt GATA6 protein function. ClinVar contains an entry for this variant (Variation ID: 1431200). This variant has not been reported in the literature in individuals affected with GATA6-related conditions.